The following is an entry in ClinVar:

ClinVar aggregate classification (germline): Likely pathogenic (1 of 4 stars; one submission).

Conditions:
Neurodevelopmental disorder with regression, abnormal movements, loss of speech, and seizures. Identifiers: Orphanet 597623, MedGen C4748127, MONDO:0060759, OMIM 618088.

Submission:

Neuberg Centre For Genomic Medicine, NCGM
Classification: Likely pathogenic for Neurodevelopmental disorder with regression, abnormal movements, loss of speech, and seizures. Last evaluated: 2023-05-20. Review status: criteria provided, single submitter. Criteria: ACMG Guidelines, 2015. Collection method: clinical testing. Allele origin: germline. Inheritance: Autosomal dominant inheritance. Affected: yes.
Comment: The observed frameshift variant c.884del (p.Gly295AlafsTer50) in IRF2BPL gene has not been reported previously as a pathogenic variant nor as a benign variant, to our knowledge. The p.Gly295AlafsTer50 variant is absent in gnomAD Exomes database. This variant has not been submitted to the ClinVar database. This variant causes a frameshift starting with codon Glycine 295, changes this amino acid to Alanine residue, and creates a premature Stop codon at position 50 of the new reading frame, denoted p.Gly295AlafsTer50. This variant is predicted to cause loss of normal protein function through protein truncation. Loss of function variants in IRF2BPL gene have been previously reported to be disease causing. Multiple downstream termination variants have previously been reported as Pathogenic. Additional functional studies will be required to prove the pathogenicity of this variant. For these reasons, this variant has been classified as Likely Pathogenic.

NM_024496.4(IRF2BPL):c.884del (p.Gly295fs)

Gene: IRF2BPL (interferon regulatory factor 2 binding protein like; minus strand). Cytogenetic location: 14q24.3.
Variant type: Deletion.
Coding change: c.884del on transcript NM_024496.4 (MANE Select); coding-DNA position 884, one base deleted (G; older notation c.884delG).
Protein change: p.Gly295fs; shifts the reading frame from glycine 295.
Molecular consequence: frameshift variant.
Genome position (GRCh38, 1-based): chr14:77,026,909, C deleted on the plus strand (G on the coding strand, the reverse complement: IRF2BPL is on the minus strand); the first of 5 consecutive C bases (chr14:77,026,909-77,026,913); deleting any one gives the same sequence. VCF-style (leftmost placement, unchanged base first): chr14-77026908-GC-G. GRCh37 (hg19) VCF-style: chr14-77493251-GC-G.
Other names: short protein forms G295fs.
Identifiers: ClinVar variation 3341435 (VCV003341435.1).